The following is an entry in ClinVar:

ClinVar aggregate classification (germline): Uncertain significance (1 of 4 stars; one submission).

Conditions:
FG syndrome (FGS). Identifiers: MedGen C0220769, MONDO:0002010.

Submission:

Labcorp Genetics (formerly Invitae), Labcorp
Classification: Uncertain significance for FG syndrome. Last evaluated: 2022-04-28. Review status: criteria provided, single submitter. Criteria: Invitae Variant Classification Sherloc (09022015). Collection method: clinical testing. Allele origin: germline.
Comment: Variants that disrupt the consensus splice site are a relatively common cause of aberrant splicing (PMID: 17576681, 9536098). Algorithms developed to predict the effect of sequence changes on RNA splicing suggest that this variant is not likely to affect RNA splicing. In summary, the available evidence is currently insufficient to determine the role of this variant in disease. Therefore, it has been classified as a Variant of Uncertain Significance. This variant is not present in population databases (gnomAD no frequency). This sequence change falls in intron 37 of the MED12 gene. It does not directly change the encoded amino acid sequence of the MED12 protein. It affects a nucleotide within the consensus splice site. This variant has not been reported in the literature in individuals affected with MED12-related conditions.

Literature cited by the submitters: PubMed 17576681; PubMed 9536098.

NM_005120.3(MED12):c.5400+6C>A

Gene: MED12 (mediator complex subunit 12; plus strand). Cytogenetic location: Xq13.1.
Variant type: single nucleotide variant.
Coding change: c.5400+6C>A on transcript NM_005120.3 (MANE Select); 6 bases into the intron after coding-DNA position 5400, C replaced by A.
Molecular consequence: intron variant.
Genome position (GRCh38, 1-based): chrX:71,136,661, C>A. VCF-style: chrX-71136661-C-A. GRCh37 (hg19) VCF-style: chrX-70356511-C-A.
Identifiers: ClinVar variation 2131539 (VCV002131539.4), dbSNP rs192656109, ClinGen allele CA2580101349.